The following is an entry in ClinVar:

NM_001807.6(CEL):c.1412C>A (p.Thr471Lys)

Gene: CEL (carboxyl ester lipase; plus strand). Cytogenetic location: 9q34.13.
Variant type: single nucleotide variant.
Coding change: c.1412C>A on transcript NM_001807.6 (MANE Select); coding-DNA position 1412, C replaced by A.
Protein change: p.Thr471Lys; replaces threonine 471 with lysine.
Molecular consequence: missense variant.
Genome position (GRCh38, 1-based): chr9:133,070,586, C>A. VCF-style: chr9-133070586-C-A. GRCh37 (hg19) VCF-style: chr9-135945973-C-A.
Other names: short protein forms T471K.
Identifiers: ClinVar variation 2663460 (VCV002663460.1), dbSNP rs199524286, ClinGen allele CA375398560.

ClinVar aggregate classification (germline): Uncertain significance (1 of 4 stars; one submission).

gnomAD v4.1: 1 of 1,614,142 alleles (0.000062%); no homozygotes.

Submission:

GeneDx
Classification: Uncertain significance. Last evaluated: 2023-04-03. Review status: criteria provided, single submitter. Criteria: GeneDx Variant Classification Process June 2021. Collection method: clinical testing. Allele origin: germline. Affected: yes.
Comment: Not observed at significant frequency in large population cohorts (gnomAD); In silico analysis supports that this missense variant does not alter protein structure/function; Has not been previously published as pathogenic or benign to our knowledge